The following is an entry in ClinVar:

NM_000199.5(SGSH):c.749T>A (p.Val250Asp)

Gene: SGSH (N-sulfoglucosamine sulfohydrolase; minus strand). Cytogenetic location: 17q25.3.
Variant type: single nucleotide variant.
Coding change: c.749T>A on transcript NM_000199.5 (MANE Select); coding-DNA position 749, T replaced by A.
Protein change: p.Val250Asp; replaces valine 250 with aspartic acid.
Molecular consequence: missense variant. On other transcripts: non-coding transcript variant (1).
Genome position (GRCh38, 1-based): chr17:80,212,271, A>T on the plus strand (T>A on the coding strand, the complement: SGSH is on the minus strand). VCF-style: chr17-80212271-A-T. GRCh37 (hg19) VCF-style: chr17-78186070-A-T.
Other names: c.749T>A, p.Val250Asp (NM_001352921.3, NM_001352922.2); short protein forms V250D.
Identifiers: ClinVar variation 1517884 (VCV001517884.8), dbSNP rs765180942, ClinGen allele CA401360198.

ClinVar aggregate classification (germline): Uncertain significance (1 of 4 stars; one submission).

Conditions:
Mucopolysaccharidosis, MPS-III-A (MPS3A). Also called: HEPARAN SULFATE SULFATASE DEFICIENCY; SANFILIPPO SYNDROME A; SULFAMIDASE DEFICIENCY; MPS III A; MPS IIIA (Sanfilippo Syndrome Type A); Mucopolysaccharidosis type IIIA (Sanfilippo A). Identifiers: Orphanet 581, Orphanet 79269, MedGen C0086647, MONDO:0009655, OMIM 252900.

Submission:

Labcorp Genetics (formerly Invitae), Labcorp
Classification: Uncertain significance for Mucopolysaccharidosis, MPS-III-A. Last evaluated: 2021-03-20. Review status: criteria provided, single submitter. Criteria: Invitae Variant Classification Sherloc (09022015). Collection method: clinical testing. Allele origin: germline.
Comment: Advanced modeling of protein sequence and biophysical properties (such as structural, functional, and spatial information, amino acid conservation, physicochemical variation, residue mobility, and thermodynamic stability) performed at Invitae indicates that this missense variant is expected to disrupt SGSH protein function. In summary, the available evidence is currently insufficient to determine the role of this variant in disease. Therefore, it has been classified as a Variant of Uncertain Significance. This variant has been observed in individual(s) with mucopolysaccharidosis type IIIA (Invitae). This variant is not present in population databases (ExAC no frequency). This sequence change replaces valine with aspartic acid at codon 250 of the SGSH protein (p.Val250Asp). The valine residue is moderately conserved and there is a large physicochemical difference between valine and aspartic acid.